The following is an entry in ClinVar:

ClinVar aggregate classification (germline): Uncertain significance (1 of 4 stars; one submission).

Submission:

Women's Health and Genetics/Laboratory Corporation of America, LabCorp
Classification: Uncertain significance. Last evaluated: 2025-11-20. Review status: criteria provided, single submitter. Criteria: LabCorp Variant Classification Summary - May 2015. Collection method: clinical testing. Allele origin: germline.
Comment: Variant summary: TSC2 c.3570G>T alters a conserved nucleotide resulting in a synonymous change. Several computational tools predict a significant impact on normal splicing: One predicts the variant weakens a cryptic 5' donor site. One predicts the variant creates a 3' acceptor site. Two predict the variant strengthens a cryptic 3' acceptor site. However, these predictions have yet to be confirmed by functional studies. The variant was absent in 249456 control chromosomes. The available data on variant occurrences in the general population are insufficient to allow any conclusion about variant significance. To our knowledge, no occurrence of c.3570G>T in individuals affected with TSC2-related conditions and no experimental evidence demonstrating its impact on protein function have been reported. No submitters have cited clinical-significance assessments for this variant to ClinVar. Based on the evidence outlined above, the variant was classified as uncertain significance.

NM_000548.5(TSC2):c.3570G>T (p.Leu1190=)

Gene: TSC2 (TSC complex subunit 2; plus strand). Cytogenetic location: 16p13.3.
Variant type: single nucleotide variant.
Coding change: c.3570G>T on transcript NM_000548.5 (MANE Select); coding-DNA position 3570, G replaced by T.
Protein change: p.Leu1190=; no amino-acid change (leucine 1190 retained).
Molecular consequence: synonymous variant. On other transcripts: non-coding transcript variant (5).
Genome position (GRCh38, 1-based): chr16:2,080,337, G>T. VCF-style: chr16-2080337-G-T. GRCh37 (hg19) VCF-style: chr16-2130338-G-T.
Other names: c.3567G>T, p.Leu1189= (NM_001406664.1, NM_001406663.1); c.3438G>T, p.Leu1146= (NM_001406665.1, NM_001077183.3, NM_001370404.1); c.3531G>T, p.Leu1177= (NM_001406667.1); c.3528G>T, p.Leu1176= (NM_001406668.1); c.3459G>T, p.Leu1153= (NM_001406670.1); c.3429G>T, p.Leu1143= (NM_001406671.1); c.3426G>T, p.Leu1142= (NM_001406673.1); c.3423G>T, p.Leu1141= (NM_001406675.1); and 18 more.
Identifiers: ClinVar variation 4537271 (VCV004537271.1).
Genomic context (GRCh38, chr16:2,080,337, plus strand): 5'-AGCTGGCACCCGGGTTCCTGTGCAGGAGAAGACGAACCTGGCGGCCTATGTGCCCCTGCT[G>T]ACCCAGGGCTGGGCGGAGATCCTGGTCCGGAGGCCCACAGGTACTGGGCGGGGCTGGCCT-3'
Protein context (NP_000539.2, residues 1180-1200): KTNLAAYVPL[Leu1190=]TQGWAEILVR